The following is an entry in ClinVar:

ClinVar aggregate classification (germline): Pathogenic/Likely pathogenic. Review status: criteria provided, multiple submitters, no conflicts (2 of 4 stars). 2 submissions from 2 submitters: Pathogenic (1); Likely pathogenic (1). Last evaluated 2024-05-21.

Conditions:
Febrile seizures, familial, 4 (FEB4). Also called: CONVULSIONS, FAMILIAL FEBRILE, 4. Identifiers: MedGen C1858493, MONDO:0011443, OMIM 604352.
Usher syndrome type 2C. Also called: Usher syndrome, type 2B; USHER SYNDROME, TYPE IIC. Identifiers: Orphanet 231178, Orphanet 886, MedGen C2931213, MONDO:0011558, OMIM 605472.

Submissions (2):

Fulgent Genetics
Classification: Likely pathogenic for Febrile seizures, familial, 4; Usher syndrome type 2C. Last evaluated: 2024-05-21. Review status: criteria provided, single submitter. Criteria: ACMG Guidelines, 2015. Collection method: clinical testing. Allele origin: germline.

Labcorp Genetics (formerly Invitae), Labcorp
Classification: Pathogenic. Last evaluated: 2021-05-05. Review status: criteria provided, single submitter. Criteria: Invitae Variant Classification Sherloc (09022015). Collection method: clinical testing. Allele origin: germline.
Comment: For these reasons, this variant has been classified as Pathogenic. This sequence change creates a premature translational stop signal (p.Phe3493Glyfs*6) in the ADGRV1 gene. It is expected to result in an absent or disrupted protein product. Loss-of-function variants in ADGRV1 are known to be pathogenic (PMID: 19357117, 22135276, 22147658, 26667666, 30029497). This variant is not present in population databases (ExAC no frequency). This variant has not been reported in the literature in individuals with ADGRV1-related conditions. ClinVar contains an entry for this variant (Variation ID: 834142).

Literature cited by the submitters: PubMed 19357117 (cited by Labcorp Genetics (formerly Invitae), Labcorp); PubMed 22135276 (cited by Labcorp Genetics (formerly Invitae), Labcorp); PubMed 22147658 (cited by Labcorp Genetics (formerly Invitae), Labcorp); PubMed 26667666 (cited by Labcorp Genetics (formerly Invitae), Labcorp); PubMed 30029497 (cited by Labcorp Genetics (formerly Invitae), Labcorp).

NM_032119.4(ADGRV1):c.10476_10479del (p.Phe3493fs)

Gene: ADGRV1 (adhesion G protein-coupled receptor V1; plus strand). Cytogenetic location: 5q14.3.
Variant type: Microsatellite.
Coding change: c.10476_10479del on transcript NM_032119.4 (MANE Select); coding-DNA positions 10476 to 10479, 4 bases deleted (CTTC; older notation c.10476_10479delCTTC).
Protein change: p.Phe3493fs; shifts the reading frame from phenylalanine 3493.
Molecular consequence: frameshift variant. On other transcripts: non-coding transcript variant (1).
Genome position (GRCh38, 1-based): chr5:90,729,691-90,729,694, CTTC deleted; deleting any 4 consecutive bases within chr5:90,729,687-90,729,694 gives the same sequence; the c. name uses the placement nearest the transcript's 3' end. VCF-style (leftmost placement, unchanged base first): chr5-90729686-TCTTC-T. GRCh37 (hg19) VCF-style: chr5-90025503-TCTTC-T.
Other names: short protein forms F3493fs.
Identifiers: ClinVar variation 834142 (VCV000834142.8), dbSNP rs1260874342, ClinGen allele CA560902105.
Genomic context (GRCh38, chr5:90,729,686, plus strand): 5'-TATTTCATTATTGCAGGAGATCAGAATTCAATTGATATTTTCATCTGGGAGATGGGACAG[TCTTC>T]CTTCAGGTATTTTCAGTCTGTAGATTTTGCTGCTGTTAACAGAATCCACTCCTTCACACC-3'